The following is an entry in ClinVar:

ClinVar aggregate classification (germline): Uncertain significance. Review status: criteria provided, multiple submitters, no conflicts (2 of 4 stars). 2 submissions from 2 submitters: Uncertain significance (2). Last evaluated 2026-06-24.

Conditions:
PKD1-related disorder. Also called: PKD1-related condition.
Inborn genetic diseases. Identifiers: MedGen C0950123, MeSH D030342.

gnomAD v4.1: 14 of 1,610,502 alleles (0.00087%); highest among the groups gnomAD compares: Admixed American, 0.0083%; no homozygotes.

Submissions (2):

PreventionGenetics, part of Exact Sciences
Classification: Uncertain significance for PKD1-related condition. Last evaluated: 2026-06-24. Review status: criteria provided, single submitter. Criteria: ACMG Guidelines, 2015. Collection method: clinical testing. Allele origin: germline.
Comment: The PKD1 c.4463C>T variant is predicted to result in the amino acid substitution p.Ser1488Phe. To our knowledge, this variant has not been reported in the literature. This variant is reported in 0.0072% of alleles in individuals of African descent in gnomAD. At this time, the clinical significance of this variant is uncertain due to the absence of conclusive functional and genetic evidence.

Ambry Genetics
Classification: Uncertain significance for Inborn genetic diseases. Last evaluated: 2025-08-24. Review status: criteria provided, single submitter. Criteria: Ambry Variant Classification Scheme 2023. Collection method: clinical testing. Allele origin: germline.

NM_001009944.3(PKD1):c.4463C>T (p.Ser1488Phe)

Gene: PKD1 (polycystin 1, transient receptor potential channel interacting; minus strand). Cytogenetic location: 16p13.3.
Variant type: single nucleotide variant.
Coding change: c.4463C>T on transcript NM_001009944.3 (MANE Select); coding-DNA position 4463, C replaced by T.
Protein change: p.Ser1488Phe; replaces serine 1488 with phenylalanine.
Molecular consequence: missense variant.
Genome position (GRCh38, 1-based): chr16:2,110,704, G>A on the plus strand (C>T on the coding strand, the complement: PKD1 is on the minus strand). VCF-style: chr16-2110704-G-A. GRCh37 (hg19) VCF-style: chr16-2160705-G-A.
Other names: c.4463C>T, p.Ser1488Phe (NM_000296.4); short protein forms S1488F.
Identifiers: ClinVar variation 4137434 (VCV004137434.2).